The following is an entry in ClinVar:

NM_001256317.3(TMPRSS3):c.993C>T (p.Asn331=)

Gene: TMPRSS3 (transmembrane serine protease 3; minus strand). Cytogenetic location: 21q22.3.
Variant type: single nucleotide variant.
Coding change: c.993C>T on transcript NM_001256317.3 (MANE Select); coding-DNA position 993, C replaced by T.
Protein change: p.Asn331=; no amino-acid change (asparagine 331 retained).
Molecular consequence: synonymous variant.
Genome position (GRCh38, 1-based): chr21:42,380,172, G>A on the plus strand (C>T on the coding strand, the complement: TMPRSS3 is on the minus strand). VCF-style: chr21-42380172-G-A. GRCh37 (hg19) VCF-style: chr21-43800281-G-A.
Other names: c.993C>T, p.Asn331= (NM_024022.4); c.612C>T, p.Asn204= (NM_032404.3).
Identifiers: ClinVar variation 46135 (VCV000046135.11), dbSNP rs397517380, ClinGen allele CA137737.
Genomic context (GRCh38, chr21:42,380,172, plus strand): 5'-CTGACCTCCATCCTCTGTGGCCCCCCATCCTGACGTCCAGCACACTTTTCCATCGGGGAA[G>A]TTCTCTTCAGAGTTGGGCAGGCACACAGGCTGGATCATTTCTGCTTGAAGGGAAACAATA-3'
Protein context (NP_001243246.1, residues 321-341): QPVCLPNSEE[Asn331=]FPDGKVCWTS

ClinVar aggregate classification (germline): Likely benign. Review status: criteria provided, multiple submitters, no conflicts (2 of 4 stars). 4 submissions from 4 submitters: Likely benign (4). Last evaluated 2024-12-09.

Conditions:
TMPRSS3-related disorder. Also called: TMPRSS3-related condition.

Allele frequency attached by ClinVar (database versions not stated): TOPMed 0.00002; gnomAD 0.00005 and 0.00006; gnomAD exomes 0.00010 and 0.00014; ExAC 0.00016.
gnomAD v4.1: 173 of 1,614,156 alleles (0.011%); highest among the groups gnomAD compares: Middle Eastern, 0.066%; no homozygotes.

Submissions (4):

PreventionGenetics, part of Exact Sciences
Classification: Likely benign for TMPRSS3-related condition. Last evaluated: 2024-12-09. Review status: criteria provided, single submitter. Criteria: ACMG Guidelines, 2015. Collection method: clinical testing. Allele origin: germline.
Comment: This variant is classified as likely benign based on ACMG/AMP sequence variant interpretation guidelines (Richards et al. 2015 PMID: 25741868, with internal and published modifications).

Blueprint Genetics
Classification: Likely benign. Last evaluated: 2024-08-06. Review status: criteria provided, single submitter. Criteria: ACMG Guidelines, 2015. Collection method: clinical testing. Allele origin: germline.

Labcorp Genetics (formerly Invitae), Labcorp
Classification: Likely benign. Last evaluated: 2024-04-14. Review status: criteria provided, single submitter. Criteria: Invitae Variant Classification Sherloc (09022015). Collection method: clinical testing. Allele origin: germline.

Laboratory for Molecular Medicine, Mass General Brigham Personalized Medicine
Classification: Likely benign. Last evaluated: 2014-05-01. Review status: criteria provided, single submitter. Criteria: LMM Criteria. Collection method: clinical testing. Allele origin: germline. Observed: 2 variant alleles.
Comment: Asn331Asn in exon 10 of TMPRSS3: This variant is not expected to have clinical s ignificance because it does not alter an amino acid residue, is not located with in the splice consensus sequence.